The following is an entry in ClinVar:

Conditions:
Breast-ovarian cancer, familial, susceptibility to, 1 (BROVCA1). Also called: BRCA1 Hereditary Breast and Ovarian Cancer; OVARIAN CANCER, SUSCEPTIBILITY TO. Identifiers: Orphanet 145, MedGen C2676676, MONDO:0011450, OMIM 604370. Disease mechanism: loss of function.

Submission:

Brotman Baty Institute, University of Washington
No classification provided (evidence only). Condition: Breast-ovarian cancer, familial 1. Review status: no classification provided. Collection method: in vitro. Allele origin: not applicable. Functional consequence: functionally_normal.
ClinVar note: "not provided" was previously submitted as the classification for the variant. However, the classification appeared to be based only on an observation of functional data so it was converted to no classification on 2025-07-30.

NM_007294.4(BRCA1):c.5277+4A>C

Gene: BRCA1 (BRCA1 DNA repair associated; minus strand). Cytogenetic location: 17q21.31.
Variant type: single nucleotide variant.
Coding change: c.5277+4A>C on transcript NM_007294.4 (MANE Select); 4 bases into the intron after coding-DNA position 5277, A replaced by C.
Molecular consequence: intron variant.
Genome position (GRCh38, 1-based): chr17:43,057,048, T>G on the plus strand (A>C on the coding strand, the complement: BRCA1 is on the minus strand). VCF-style: chr17-43057048-T-G. GRCh37 (hg19) VCF-style: chr17-41209065-T-G.
Other names: c.1824+4A>C (NM_001408458.1, NM_001408461.1, NM_001408464.1 and 7 more transcripts); c.4386+4A>C (NM_001407967.1); c.4896+4A>C (NM_001407959.1); c.5010+4A>C (NM_001407931.1, NM_001407932.1, NM_001407928.1 and 4 more transcripts); c.5133+4A>C (NM_001407747.1, NM_001407745.1, NM_001407737.1 and 21 more transcripts); c.4893+4A>C (NM_001407962.1, NM_001407960.1); c.1464+4A>C (NM_001408512.1); c.1587+4A>C (NM_001408510.1); and 72 more.
Identifiers: ClinVar variation 867309 (VCV000867309.3), dbSNP rs397509251, ClinGen allele CA916081126.